The following is an entry in ClinVar:

NM_014956.5(CEP164):c.355A>G (p.Lys119Glu)

Gene: CEP164 (centrosomal protein 164; plus strand). Cytogenetic location: 11q23.3.
Variant type: single nucleotide variant.
Coding change: c.355A>G on transcript NM_014956.5 (MANE Select); coding-DNA position 355, A replaced by G.
Protein change: p.Lys119Glu; replaces lysine 119 with glutamic acid.
Molecular consequence: missense variant.
Genome position (GRCh38, 1-based): chr11:117,351,950, A>G. VCF-style: chr11-117351950-A-G. GRCh37 (hg19) VCF-style: chr11-117222666-A-G.
Other names: c.355A>G, p.Lys119Glu (NM_001271933.2); short protein forms K119E.
Identifiers: ClinVar variation 1926251 (VCV001926251.5), dbSNP rs1297196642, ClinGen allele CA382726174.

ClinVar aggregate classification (germline): Uncertain significance (1 of 4 stars; one submission).

Conditions:
Nephronophthisis 15 (NPHP15). Identifiers: Orphanet 3156, MedGen C3541853, MONDO:0013917, OMIM 614845.

Allele frequency attached by ClinVar (database versions not stated): gnomAD exomes below 0.00001; gnomAD 0.00001; TOPMed 0.00001.
gnomAD v4.1: 9 of 1,608,770 alleles (0.00056%); highest among the groups gnomAD compares: Non-Finnish European, 0.00068%; no homozygotes.

Submission:

Labcorp Genetics (formerly Invitae), Labcorp
Classification: Uncertain significance for Nephronophthisis 15. Last evaluated: 2022-06-10. Review status: criteria provided, single submitter. Criteria: Invitae Variant Classification Sherloc (09022015). Collection method: clinical testing. Allele origin: germline.
Comment: In summary, the available evidence is currently insufficient to determine the role of this variant in disease. Therefore, it has been classified as a Variant of Uncertain Significance. Algorithms developed to predict the effect of missense changes on protein structure and function are either unavailable or do not agree on the potential impact of this missense change (SIFT: "Deleterious"; PolyPhen-2: "Possibly Damaging"; Align-GVGD: "Class C0"). This variant has not been reported in the literature in individuals affected with CEP164-related conditions. The frequency data for this variant in the population databases is considered unreliable, as metrics indicate poor data quality at this position in the gnomAD database. This sequence change replaces lysine, which is basic and polar, with glutamic acid, which is acidic and polar, at codon 119 of the CEP164 protein (p.Lys119Glu).